The following is an entry in ClinVar:

ClinVar aggregate classification (germline): Uncertain significance (1 of 4 stars; one submission).

Conditions:
Hereditary breast ovarian cancer syndrome. Also called: Hereditary breast and ovarian cancer syndrome (HBOC); Breast and ovarian cancer; BRCA1- and BRCA2-Associated Hereditary Breast and Ovarian Cancer; Hereditary breast and ovarian cancer syndrome; Hereditary breast and ovarian cancer; Hereditary breast and/or ovarian cancer syndrome. Identifiers: Orphanet 145, MedGen C0677776, MeSH D061325, MONDO:0003582. Disease mechanism: loss of function.

Submission:

Labcorp Genetics (formerly Invitae), Labcorp
Classification: Uncertain significance for Hereditary breast ovarian cancer syndrome. Last evaluated: 2023-03-13. Review status: criteria provided, single submitter. Criteria: Invitae Variant Classification Sherloc (09022015). Collection method: clinical testing. Allele origin: germline.
Comment: Variants that disrupt the consensus splice site are a relatively common cause of aberrant splicing (PMID: 17576681, 9536098). Algorithms developed to predict the effect of sequence changes on RNA splicing suggest that this variant is not likely to affect RNA splicing. In summary, the available evidence is currently insufficient to determine the role of this variant in disease. Therefore, it has been classified as a Variant of Uncertain Significance. This variant has not been reported in the literature in individuals affected with BRCA2-related conditions. This sequence change falls in intron 26 of the BRCA2 gene. It does not directly change the encoded amino acid sequence of the BRCA2 protein. It affects a nucleotide within the consensus splice site. This variant is not present in population databases (gnomAD no frequency).

Literature cited by the submitters: PubMed 17576681; PubMed 9536098.

NM_000059.4(BRCA2):c.9648+4_9648+5insATTCTGGTAA

Gene: BRCA2 (BRCA2 DNA repair associated; plus strand). Cytogenetic location: 13q13.1.
Variant type: Insertion.
Coding change: c.9648+4_9648+5insATTCTGGTAA on transcript NM_000059.4 (MANE Select); bases 4 to 5 of the intron after coding-DNA position 9648, ATTCTGGTAA inserted.
Molecular consequence: splice donor variant.
Genome position: GRCh38 VCF-style: chr13-32397039-C-CTTCTGGTAAA. GRCh37 (hg19) VCF-style: chr13-32971176-C-CTTCTGGTAAA.
Other names: c.9597+4_9597+5insATTCTGGTAA (NM_001406720.1); c.9552+4_9552+5insATTCTGGTAA (NM_001406719.1); c.4716+4_4716+5insATTCTGGTAA (NM_001406721.1); c.3231+4_3231+5insATTCTGGTAA (NM_001406722.1).
Identifiers: ClinVar variation 2845311 (VCV002845311.3), dbSNP rs2548563854, ClinGen allele CA2739277576.